The following is an entry in ClinVar:

ClinVar aggregate classification (germline): Uncertain significance (1 of 4 stars; one submission).

Conditions:
Early Myoclonic Encephalopathy. Identifiers: MedGen C0270855.

gnomAD v4.1: 2 of 1,614,206 alleles (0.00012%); highest among the groups gnomAD compares: Admixed American, 0.0017%; no homozygotes.

Submission:

Labcorp Genetics (formerly Invitae), Labcorp
Classification: Uncertain significance for Early Myoclonic Encephalopathy. Last evaluated: 2024-11-12. Review status: criteria provided, single submitter. Criteria: Invitae Variant Classification Sherloc (09022015). Collection method: clinical testing. Allele origin: germline.
Comment: This sequence change replaces glutamic acid, which is acidic and polar, with glutamine, which is neutral and polar, at codon 816 of the JMJD1C protein (p.Glu816Gln). This variant is present in population databases (no rsID available, gnomAD 0.003%). This variant has not been reported in the literature in individuals affected with JMJD1C-related conditions. Invitae Evidence Modeling of protein sequence and biophysical properties (such as structural, functional, and spatial information, amino acid conservation, physicochemical variation, residue mobility, and thermodynamic stability) indicates that this missense variant is expected to disrupt JMJD1C protein function with a positive predictive value of 80%. In summary, the available evidence is currently insufficient to determine the role of this variant in disease. Therefore, it has been classified as a Variant of Uncertain Significance.

NM_032776.3(JMJD1C):c.2446G>C (p.Glu816Gln)

Gene: JMJD1C (jumonji domain containing 1C; minus strand). Cytogenetic location: 10q21.3.
Variant type: single nucleotide variant.
Coding change: c.2446G>C on transcript NM_032776.3 (MANE Select); coding-DNA position 2446, G replaced by C.
Protein change: p.Glu816Gln; replaces glutamic acid 816 with glutamine.
Molecular consequence: missense variant. On other transcripts: non-coding transcript variant (1).
Genome position (GRCh38, 1-based): chr10:63,213,721, C>G on the plus strand (G>C on the coding strand, the complement: JMJD1C is on the minus strand). VCF-style: chr10-63213721-C-G. GRCh37 (hg19) VCF-style: chr10-64973481-C-G.
Other names: c.1900G>C, p.Glu634Gln (NM_001282948.2, NM_001318154.2); c.1582G>C, p.Glu528Gln (NM_001318153.2); c.2332G>C, p.Glu778Gln (NM_001322252.2); c.1789G>C, p.Glu597Gln (NM_001322254.2, NM_001322258.2); short protein forms E634Q, E778Q, E528Q, E816Q, E597Q.
Identifiers: ClinVar variation 3631930 (VCV003631930.2).